The following is an entry in ClinVar:

ClinVar aggregate classification (germline): Pathogenic. Review status: criteria provided, multiple submitters, no conflicts (2 of 4 stars). 6 submissions from 6 submitters: Pathogenic (5). 1 of the submissions does not count toward it. Last evaluated 2024-12-02.

Conditions:
GUCA1A-related disorders.
Cone-rod dystrophy 14 (CORD14). Identifiers: MedGen CN322944, MONDO:0800326.
Retinal dystrophy. Also called: Inherited retinal dystrophy. Identifiers: Orphanet 71862, MedGen C0854723, MeSH D058499, MONDO:0019118, HP:0000556.

Allele frequency attached by ClinVar (database versions not stated): gnomAD exomes below 0.00001.

Submissions (6):

Labcorp Genetics (formerly Invitae), Labcorp
Classification: Pathogenic. Last evaluated: 2024-12-02. Review status: criteria provided, single submitter. Criteria: Invitae Variant Classification Sherloc (09022015). Collection method: clinical testing. Allele origin: germline.
Comment: This sequence change replaces leucine, which is neutral and non-polar, with phenylalanine, which is neutral and non-polar, at codon 151 of the GUCA1A protein (p.Leu151Phe). This variant is not present in population databases (gnomAD no frequency). This missense change has been observed in individuals with cone-rod dystrophy (PMID: 15790869, 24875811, 29555955). It has also been observed to segregate with disease in related individuals. ClinVar contains an entry for this variant (Variation ID: 9152). An algorithm developed to predict the effect of missense changes on protein structure and function (PolyPhen-2) suggests that this variant is likely to be disruptive. Experimental studies have shown that this missense change affects GUCA1A function (PMID: 15790869, 23472098). For these reasons, this variant has been classified as Pathogenic.

Blueprint Genetics
Classification: Pathogenic for GUCA1A-related disorders. Last evaluated: 2022-07-29. Review status: criteria provided, single submitter. Criteria: ACMG Guidelines, 2015. Collection method: clinical testing. Allele origin: germline. Affected: yes. Observed: 5 variant alleles.

GeneDx
Classification: Pathogenic. Last evaluated: 2021-10-15. Review status: criteria provided, single submitter. Criteria: GeneDx Variant Classification Process June 2021. Collection method: clinical testing. Allele origin: germline. Affected: yes.
Comment: Published functional studies demonstrate a damaging effect (perturbation of photoresponse and impaired guanylate cyclase inhibitition leading to gain of function resulting in persistent stimulation in dark adapted photoreceptors) (Dell'Orco et al., 2014; Sokal et al., 2005); Not observed at significant frequency in large population cohorts (Lek et al., 2016); In silico analysis supports that this missense variant has a deleterious effect on protein structure/function; This variant is associated with the following publications: (PMID: 23428504, 22183351, 20238026, 20213926, 24875811, 19459154, 24778606, 24024198, 15790869, 23472098, 15735604, 31728034, 29555955, 28559085, 24566882)

Institute of Medical Genetics and Applied Genomics, University Hospital Tübingen
Classification: Pathogenic. Last evaluated: 2021-06-17. Review status: criteria provided, single submitter. Criteria: ACMG Guidelines, 2015. Collection method: clinical testing. Allele origin: germline. Inheritance: Autosomal dominant inheritance. Affected: yes.

Institute of Human Genetics, Univ. Regensburg, Univ. Regensburg
Classification: Pathogenic for Retinal dystrophy. Last evaluated: 2016-01-01. Review status: criteria provided, single submitter. Criteria: ACMG Guidelines, 2015. Collection method: clinical testing. Allele origin: germline. Affected: yes.

OMIM
Classification: Pathogenic for CONE-ROD DYSTROPHY 14. Last evaluated: 2005-04-01. Review status: no assertion criteria provided. Collection method: literature only. Allele origin: germline. Not counted in ClinVar's aggregate classification.

Literature cited by the submitters: PubMed 15790869 (cited by 3 submitters); PubMed 24875811 (cited by Labcorp Genetics (formerly Invitae), Labcorp and Institute of Human Genetics, Univ. Regensburg, Univ. Regensburg); PubMed 29555955 (cited by Labcorp Genetics (formerly Invitae), Labcorp and Institute of Human Genetics, Univ. Regensburg, Univ. Regensburg); PubMed 23472098 (cited by Labcorp Genetics (formerly Invitae), Labcorp and Institute of Human Genetics, Univ. Regensburg, Univ. Regensburg); PubMed 15735604 (cited by Institute of Human Genetics, Univ. Regensburg, Univ. Regensburg and OMIM); PubMed 24566882 (cited by Institute of Human Genetics, Univ. Regensburg, Univ. Regensburg); PubMed 28559085 (cited by Institute of Human Genetics, Univ. Regensburg, Univ. Regensburg); PubMed 31728034 (cited by Institute of Human Genetics, Univ. Regensburg, Univ. Regensburg).

NM_001384910.1(GUCA1A):c.451C>T (p.Leu151Phe)

Genes: GUCA1A (guanylate cyclase activator 1A; plus strand), GUCA1ANB-GUCA1A (GUCA1ANB-GUCA1A readthrough; plus strand). Cytogenetic location: 6p21.1.
Variant type: single nucleotide variant.
Coding change: c.451C>T on transcript NM_001384910.1 (MANE Select); coding-DNA position 451, C replaced by T.
Protein change: p.Leu151Phe; replaces leucine 151 with phenylalanine.
Molecular consequence: missense variant.
Genome position (GRCh38, 1-based): chr6:42,179,248, C>T. VCF-style: chr6-42179248-C-T. GRCh37 (hg19) VCF-style: chr6-42146986-C-T.
Other names: c.451C>T, p.Leu151Phe (NM_000409.5, NM_001319061.2, NM_001319062.2); short protein forms L151F.
Identifiers: ClinVar variation 9152 (VCV000009152.16), dbSNP rs121434631, ClinGen allele CA130274.
Genomic context (GRCh38, chr6:42,179,248, plus strand): 5'-TGGACTGCAGAAATGAACACCCTCCTCCCCCTGATTCCCTTTCTCTCTACCCCAGGGGAA[C>T]TCTCCCTGGAAGAGTTTATAGAGGGCGTCCAGAAGGACCAGATGCTCCTGGACACACTGA-3'
Protein context (NP_001371839.1, residues 141-161): SKIDVNGDGE[Leu151Phe]SLEEFIEGVQ